The following is an entry in ClinVar:

NM_003079.5(SMARCE1):c.1115A>G (p.Glu372Gly)

Gene: SMARCE1 (SWI/SNF related BAF chromatin remodeling complex subunit E1; minus strand). Cytogenetic location: 17q21.2.
Variant type: single nucleotide variant.
Coding change: c.1115A>G on transcript NM_003079.5 (MANE Select); coding-DNA position 1115, A replaced by G.
Protein change: p.Glu372Gly; replaces glutamic acid 372 with glycine.
Molecular consequence: missense variant.
Genome position (GRCh38, 1-based): chr17:40,628,906, T>C on the plus strand (A>G on the coding strand, the complement: SMARCE1 is on the minus strand). VCF-style: chr17-40628906-T-C. GRCh37 (hg19) VCF-style: chr17-38785158-T-C.
Other names: short protein forms E372G.
Identifiers: ClinVar variation 2833075 (VCV002833075.3), dbSNP rs2037061989, ClinGen allele CA399361334.

ClinVar aggregate classification (germline): Uncertain significance (1 of 4 stars; one submission).

Conditions:
Familial meningioma. Also called: Meningioma, familial, susceptibility to. Identifiers: Orphanet 263662, MedGen C3551915, MONDO:0011789, OMIM 607174.

Submission:

Labcorp Genetics (formerly Invitae), Labcorp
Classification: Uncertain significance for Familial meningioma. Last evaluated: 2023-01-31. Review status: criteria provided, single submitter. Criteria: Invitae Variant Classification Sherloc (09022015). Collection method: clinical testing. Allele origin: germline.
Comment: In summary, the available evidence is currently insufficient to determine the role of this variant in disease. Therefore, it has been classified as a Variant of Uncertain Significance. Advanced modeling of protein sequence and biophysical properties (such as structural, functional, and spatial information, amino acid conservation, physicochemical variation, residue mobility, and thermodynamic stability) has been performed at Invitae for this missense variant, however the output from this modeling did not meet the statistical confidence thresholds required to predict the impact of this variant on SMARCE1 protein function. This variant has not been reported in the literature in individuals affected with SMARCE1-related conditions. This variant is not present in population databases (gnomAD no frequency). This sequence change replaces glutamic acid, which is acidic and polar, with glycine, which is neutral and non-polar, at codon 372 of the SMARCE1 protein (p.Glu372Gly).